The following is an entry in ClinVar:

NM_000552.5(VWF):c.4609G>A (p.Val1537Ile)

Gene: VWF (von Willebrand factor; minus strand). Cytogenetic location: 12p13.31.
Variant type: single nucleotide variant.
Coding change: c.4609G>A on transcript NM_000552.5 (MANE Select); coding-DNA position 4609, G replaced by A.
Protein change: p.Val1537Ile; replaces valine 1537 with isoleucine.
Molecular consequence: missense variant.
Genome position (GRCh38, 1-based): chr12:6,018,809, C>T on the plus strand (G>A on the coding strand, the complement: VWF is on the minus strand). VCF-style: chr12-6018809-C-T. GRCh37 (hg19) VCF-style: chr12-6127975-C-T.
Other names: c.4609G>A (NM_000552.4); short protein forms V1537I.
Identifiers: ClinVar variation 2371312 (VCV002371312.3), dbSNP rs772887330, ClinGen allele CA6402494.

ClinVar aggregate classification (germline): Conflicting classifications of pathogenicity. Review status: criteria provided, conflicting classifications (1 of 4 stars). 2 submissions from 2 submitters: Uncertain significance (1); Likely benign (1). Last evaluated 2024-10-09.

Conditions:
Inborn genetic diseases. Identifiers: MedGen C0950123, MeSH D030342.

Allele frequency attached by ClinVar (database versions not stated): ExAC 0.00001; gnomAD exomes 0.00001; gnomAD 0.00003; TOPMed 0.00004.
gnomAD v4.1: 29 of 1,613,944 alleles (0.0018%); highest among the groups gnomAD compares: Middle Eastern, 0.017%; no homozygotes.

Submissions (2):

Quest Diagnostics Nichols Institute San Juan Capistrano
Classification: Uncertain significance. Last evaluated: 2024-10-09. Review status: criteria provided, single submitter. Criteria: Quest Diagnostics criteria. Collection method: clinical testing. Allele origin: unknown.
Comment: The VWF c.4609G>A (p.Val1537Ile) variant has not been reported in individuals with VWF-related conditions in the published literature. The frequency of this variant in the general population, 0.000016 (4/250364 chromosomes (Genome Aggregation Database)), is uninformative in the assessment of its pathogenicity. Analysis of this variant using bioinformatics tools for the prediction of the effect of amino acid changes on protein structure and function yielded predictions that this variant is benign. Based on the available information, we are unable to determine the clinical significance of this variant.

Ambry Genetics
Classification: Likely benign for Inborn genetic diseases. Last evaluated: 2022-10-03. Review status: criteria provided, single submitter. Criteria: Ambry Variant Classification Scheme 2023. Collection method: clinical testing. Allele origin: germline.